The following is an entry in ClinVar:

NM_000038.6(APC):c.6734C>T (p.Pro2245Leu)

Gene: APC (APC regulator of Wnt signaling pathway; plus strand). Cytogenetic location: 5q22.2.
Variant type: single nucleotide variant.
Coding change: c.6734C>T on transcript NM_000038.6 (MANE Select); coding-DNA position 6734, C replaced by T.
Protein change: p.Pro2245Leu; replaces proline 2245 with leucine.
Molecular consequence: missense variant.
Genome position (GRCh38, 1-based): chr5:112,842,328, C>T. VCF-style: chr5-112842328-C-T. GRCh37 (hg19) VCF-style: chr5-112178025-C-T.
Other names: c.6734C>T, p.Pro2245Leu (NM_001127510.3, NM_001354895.2); c.6680C>T, p.Pro2227Leu (NM_001127511.3); c.6788C>T, p.Pro2263Leu (NM_001354896.2); c.6764C>T, p.Pro2255Leu (NM_001354897.2); c.6659C>T, p.Pro2220Leu (NM_001354898.2); c.6650C>T, p.Pro2217Leu (NM_001354899.2); c.6611C>T, p.Pro2204Leu (NM_001354900.2); c.6557C>T, p.Pro2186Leu (NM_001354901.2); and 5 more; short protein forms P2227L, P2245L, P2204L, P2119L, P2186L, P2144L, P2217L, P2220L.
Identifiers: ClinVar variation 628541 (VCV000628541.16), dbSNP rs1483215684, ClinGen allele CA16036050.

ClinVar aggregate classification (germline): Uncertain significance. Review status: criteria provided, multiple submitters, no conflicts (2 of 4 stars). 4 submissions from 4 submitters: Uncertain significance (4). Last evaluated 2025-09-29.

Conditions:
Hereditary cancer-predisposing syndrome. Also called: Neoplastic Syndromes, Hereditary; Tumor predisposition; Hereditary neoplastic syndrome; Hereditary Cancer Syndrome. Identifiers: Orphanet 140162, MedGen C0027672, MeSH D009386, MONDO:0015356.
Familial adenomatous polyposis 1 (FAP1). Also called: POLYPOSIS, ADENOMATOUS INTESTINAL; FAMILIAL ADENOMATOUS POLYPOSIS 1, ATTENUATED. Identifiers: MedGen C2713442, MONDO:0021056, OMIM 175100. Disease mechanism: loss of function.

Allele frequency attached by ClinVar (database versions not stated): gnomAD 0.00001.
gnomAD v4.1: 1 of 1,613,692 alleles (0.000062%); highest among the groups gnomAD compares: Non-Finnish European, 0.000085%; no homozygotes.

Submissions (4):

Ambry Genetics
Classification: Uncertain significance for Hereditary cancer-predisposing syndrome. Last evaluated: 2025-09-29. Review status: criteria provided, single submitter. Criteria: Ambry Variant Classification Scheme 2023. Collection method: clinical testing. Allele origin: germline.
Comment: The p.P2245L variant (also known as c.6734C>T), located in coding exon 15 of the APC gene, results from a C to T substitution at nucleotide position 6734. The proline at codon 2245 is replaced by leucine, an amino acid with similar properties. This amino acid position is highly conserved in available vertebrate species. In addition, in silico predictors for this gene do not accurately predict pathogenicity. Missense variants in APC are not a common cause of disease (Spier I et al. Genet Med. 2024 Feb;26(2):100992). Since supporting evidence is limited at this time, the clinical significance of this alteration remains unclear.

Labcorp Genetics (formerly Invitae), Labcorp
Classification: Uncertain significance for Familial adenomatous polyposis 1. Last evaluated: 2025-05-04. Review status: criteria provided, single submitter. Criteria: Invitae Variant Classification Sherloc (09022015). Collection method: clinical testing. Allele origin: germline.
Comment: This sequence change replaces proline, which is neutral and non-polar, with leucine, which is neutral and non-polar, at codon 2245 of the APC protein (p.Pro2245Leu). This variant is present in population databases (no rsID available, gnomAD 0.007%). This variant has not been reported in the literature in individuals affected with APC-related conditions. ClinVar contains an entry for this variant (Variation ID: 628541). Invitae Evidence Modeling of protein sequence and biophysical properties (such as structural, functional, and spatial information, amino acid conservation, physicochemical variation, residue mobility, and thermodynamic stability) indicates that this missense variant is not expected to disrupt APC protein function with a negative predictive value of 95%. In summary, the available evidence is currently insufficient to determine the role of this variant in disease. Therefore, it has been classified as a Variant of Uncertain Significance.

GeneDx
Classification: Uncertain significance. Last evaluated: 2023-10-17. Review status: criteria provided, single submitter. Criteria: GeneDx Variant Classification Process June 2021. Collection method: clinical testing. Allele origin: germline. Affected: yes.
Comment: In silico analysis supports that this missense variant has a deleterious effect on protein structure/function; Has not been previously published as pathogenic or benign to our knowledge; This variant is associated with the following publications: (PMID: 18199528)

Color Diagnostics, LLC DBA Color Health
Classification: Uncertain significance for Hereditary cancer-predisposing syndrome. Last evaluated: 2019-12-24. Review status: criteria provided, single submitter. Criteria: ACMG Guidelines, 2015. Collection method: clinical testing. Allele origin: germline.
Comment: This missense variant replaces proline with leucine at codon 2245 of the APC protein. Computational prediction is inconclusive regarding the impact of this variant on protein structure and function (internally defined REVEL score threshold 0.5 < inconclusive < 0.7, PMID: 27666373). Splice site prediction tools suggest that this variant may not impact RNA splicing. To our knowledge, functional studies have not been performed for this variant. This variant has not been reported in individuals affected with hereditary cancer in the literature. This variant has been identified in 1/31368 chromosomes in the general population by the Genome Aggregation Database (gnomAD). The available evidence is insufficient to determine the role of this variant in disease conclusively. Therefore, this variant is classified as a Variant of Uncertain Significance.